The following is an entry in ClinVar:

NM_006904.7(PRKDC):c.2661C>G (p.Asp887Glu)

Gene: PRKDC (protein kinase, DNA-activated, catalytic subunit; minus strand). Cytogenetic location: 8q11.21.
Variant type: single nucleotide variant.
Coding change: c.2661C>G on transcript NM_006904.7 (MANE Select); coding-DNA position 2661, C replaced by G.
Protein change: p.Asp887Glu; replaces aspartic acid 887 with glutamic acid.
Molecular consequence: missense variant.
Genome position (GRCh38, 1-based): chr8:47,914,021, G>C on the plus strand (C>G on the coding strand, the complement: PRKDC is on the minus strand). VCF-style: chr8-47914021-G-C. GRCh37 (hg19) VCF-style: chr8-48826581-G-C.
Other names: c.2661C>G, p.Asp887Glu (NM_001081640.2); short protein forms D887E.
Identifiers: ClinVar variation 2449804 (VCV002449804.2), dbSNP rs2551876883, ClinGen allele CA371159462.

ClinVar aggregate classification (germline): Uncertain significance (1 of 4 stars; one submission).

Submission:

Ambry Genetics
Classification: Uncertain significance. Last evaluated: 2022-11-03. Review status: criteria provided, single submitter. Criteria: Ambry Variant Classification Scheme 2023. Collection method: clinical testing. Allele origin: germline.
Comment: The p.D887E variant (also known as c.2661C>G), located in coding exon 24 of the PRKDC gene, results from a C to G substitution at nucleotide position 2661. The aspartic acid at codon 887 is replaced by glutamic acid, an amino acid with highly similar properties. This amino acid position is conserved. In addition, this alteration is predicted to be tolerated by in silico analysis. Since supporting evidence is limited at this time, the clinical significance of this alteration remains unclear.